The following is an entry in ClinVar:

GRCh38/hg38 2p25.3(chr2:14238-862027)x1

Genes: ACP1 (acid phosphatase 1; plus strand), ALKAL2 (ALK and LTK ligand 2; minus strand), FAM110C (family with sequence similarity 110 member C; minus strand), LINC01115 (long independently transcribed non-coding RNA 1115; minus strand), LINC01865 (long independently transcribed non-coding RNA 1865; plus strand) and 26 more. Cytogenetic location: 2p25.3.
Variant type: copy number loss.
Change: copy number 1 (one copy instead of two) of chr2:14,238-862,027 (847.8 kb, GRCh38 coordinates, 1-based), cytogenetic band 2p25.3.
Identifiers: ClinVar variation 4974728 (VCV004974728.1).

ClinVar aggregate classification (germline): Uncertain significance (1 of 4 stars; one submission).

Submission:

Clinical Genomics Laboratory, Laboratory for Precision Diagnostics, University of Washington
Classification: Uncertain significance. Last evaluated: 2024-06-28. Review status: criteria provided, single submitter. Criteria: ACMG/ClinGen CNV Guidelines, 2019. Collection method: clinical testing. Allele origin: unknown. Affected: yes. Observed: 1 variant allele.